The following is an entry in ClinVar:

ClinVar aggregate classification (germline): Likely benign (0 of 4 stars; one submission).

Conditions:
ALG2-related disorder. Also called: ALG2-related condition.

gnomAD v4.1: 4 of 1,598,404 alleles (0.00025%); highest among the groups gnomAD compares: Non-Finnish European, 0.00034%; no homozygotes.

Submission:

PreventionGenetics, part of Exact Sciences
Classification: Likely benign for ALG2-related condition. Last evaluated: 2019-03-11. Review status: no assertion criteria provided. Collection method: clinical testing. Allele origin: germline.
Comment: This variant is classified as likely benign based on ACMG/AMP sequence variant interpretation guidelines (Richards et al. 2015 PMID: 25741868, with internal and published modifications).

NM_033087.4(ALG2):c.165C>T (p.Asp55=)

Gene: ALG2 (ALG2 alpha-1,3/1,6-mannosyltransferase; minus strand). Cytogenetic location: 9q22.33.
Variant type: single nucleotide variant.
Coding change: c.165C>T on transcript NM_033087.4 (MANE Select); coding-DNA position 165, C replaced by T.
Protein change: p.Asp55=; no amino-acid change (aspartic acid 55 retained).
Molecular consequence: synonymous variant. On other transcripts: non-coding transcript variant (1).
Genome position (GRCh38, 1-based): chr9:99,221,730, G>A on the plus strand (C>T on the coding strand, the complement: ALG2 is on the minus strand). VCF-style: chr9-99221730-G-A. GRCh37 (hg19) VCF-style: chr9-101984012-G-A.
Identifiers: ClinVar variation 3353049 (VCV003353049.1).